The following is an entry in ClinVar:

ClinVar aggregate classification (germline): Benign. Review status: criteria provided, multiple submitters, no conflicts (2 of 4 stars). 3 submissions from 3 submitters: Benign (3). Last evaluated 2026-02-01.

Allele frequency attached by ClinVar (database versions not stated): 1000 Genomes Project 0.00499; 1000 Genomes Project 30x 0.00500; gnomAD 0.00890 and 0.00913; ExAC 0.00911; gnomAD exomes 0.00953; TOPMed 0.00968; ESP Exome Variant Server 0.01030.
gnomAD v4.1: 17,981 of 1,609,988 alleles (1.1%); highest among the groups gnomAD compares: Middle Eastern, 2.9%; 156 homozygotes.

Submissions (3):

Labcorp Genetics (formerly Invitae), Labcorp
Classification: Benign. Last evaluated: 2026-02-01. Review status: criteria provided, single submitter. Criteria: Invitae Variant Classification Sherloc (09022015). Collection method: clinical testing. Allele origin: germline.

CeGaT Center for Human Genetics Tuebingen
Classification: Benign. Last evaluated: 2025-06-01. Review status: criteria provided, single submitter. Criteria: CeGaT Center For Human Genetics Tuebingen Variant Classification Criteria Version 2. Collection method: clinical testing. Allele origin: germline. Affected: yes. Observed: 6 variant alleles.
Comment: MCM5: BP4, BP7, BS1, BS2

Breakthrough Genomics
Classification: Benign. Review status: criteria provided, single submitter. Criteria: ACMG Guidelines, 2015. Collection method: not provided. Allele origin: germline. Inheritance: Autosomal recessive inheritance. Affected: yes.

NM_006739.4(MCM5):c.564C>T (p.Leu188=)

Gene: MCM5 (minichromosome maintenance complex component 5; plus strand). Cytogenetic location: 22q12.3.
Variant type: single nucleotide variant.
Coding change: c.564C>T on transcript NM_006739.4 (MANE Select); coding-DNA position 564, C replaced by T.
Protein change: p.Leu188=; no amino-acid change (leucine 188 retained).
Molecular consequence: synonymous variant.
Genome position (GRCh38, 1-based): chr22:35,406,693, C>T. VCF-style: chr22-35406693-C-T. GRCh37 (hg19) VCF-style: chr22-35802686-C-T.
Identifiers: ClinVar variation 1170741 (VCV001170741.33), dbSNP rs2230932, ClinGen allele CA10205072.